The following is an entry in ClinVar:

ClinVar aggregate classification (germline): Benign/Likely benign. Review status: criteria provided, multiple submitters, no conflicts (2 of 4 stars). 3 submissions from 3 submitters: Benign (2); Likely benign (1). Last evaluated 2021-05-08.

Conditions:
ABCA4-related disorder. Also called: ABCA4-related disorders; ABCA4-related condition. Identifiers: MedGen CN239167.

Allele frequency attached by ClinVar (database versions not stated): gnomAD exomes 0.04690; gnomAD 0.07583 and 0.07805; 1000 Genomes Project 30x 0.07714; 1000 Genomes Project 0.07728; TOPMed 0.08388.
gnomAD v4.1: 20,166 of 335,058 alleles (6%); highest among the groups gnomAD compares: African/African-American, 16%; 975 homozygotes.

Submissions (3):

GeneDx
Classification: Benign. Last evaluated: 2021-05-08. Review status: criteria provided, single submitter. Criteria: GeneDx Variant Classification Process June 2021. Collection method: clinical testing. Allele origin: germline. Affected: yes.

Illumina Laboratory Services, Illumina
Classification: Benign for ABCA4-Related Disorders. Last evaluated: 2018-01-12. Review status: criteria provided, single submitter. Criteria: ICSL Variant Classification Criteria 13 December 2019. Collection method: clinical testing. Allele origin: germline.
Comment: This variant was observed in the ICSL laboratory as part of a predisposition screen in an ostensibly healthy population. It had not been previously curated by ICSL or reported in the Human Gene Mutation Database (HGMD: prior to June 1st, 2018), and was therefore a candidate for classification through an automated scoring system. Utilizing variant allele frequency, disease prevalence and penetrance estimates, and inheritance mode, an automated score was calculated to assess if this variant is too frequent to cause the disease. Based on the score and internal cut-off values, a variant classified as benign is not then subjected to further curation. The score for this variant resulted in a classification of benign for this disease.

Breakthrough Genomics
Classification: Likely benign. Review status: criteria provided, single submitter. Criteria: ACMG Guidelines, 2015. Collection method: not provided. Allele origin: germline. Inheritance: Autosomal recessive inheritance. Affected: yes.

NM_000350.3(ABCA4):c.*372A>G

Gene: ABCA4 (ATP binding cassette subfamily A member 4; minus strand). Cytogenetic location: 1p22.1.
Variant type: single nucleotide variant.
Coding change: c.*372A>G on transcript NM_000350.3 (MANE Select); 372 bases downstream of the stop codon, A replaced by G.
Molecular consequence: 3 prime UTR variant.
Genome position (GRCh38, 1-based): chr1:93,992,865, T>C on the plus strand (A>G on the coding strand, the complement: ABCA4 is on the minus strand). VCF-style: chr1-93992865-T-C. GRCh37 (hg19) VCF-style: chr1-94458421-T-C.
Other names: c.*372A>G (NM_001425324.1).
Identifiers: ClinVar variation 298215 (VCV000298215.9), dbSNP rs3747961, ClinGen allele CA10611693.